The following is an entry in ClinVar:

NM_005802.5(TOPORS):c.922T>C (p.Phe308Leu)

Gene: TOPORS (TOP1 binding arginine/serine rich protein, E3 ubiquitin ligase; minus strand). Cytogenetic location: 9p21.1.
Variant type: single nucleotide variant.
Coding change: c.922T>C on transcript NM_005802.5 (MANE Select); coding-DNA position 922, T replaced by C.
Protein change: p.Phe308Leu; replaces phenylalanine 308 with leucine.
Molecular consequence: missense variant.
Genome position (GRCh38, 1-based): chr9:32,543,603, A>G on the plus strand (T>C on the coding strand, the complement: TOPORS is on the minus strand). VCF-style: chr9-32543603-A-G. GRCh37 (hg19) VCF-style: chr9-32543601-A-G.
Other names: c.727T>C, p.Phe243Leu (NM_001195622.2); short protein forms F243L, F308L.
Identifiers: ClinVar variation 1717103 (VCV001717103.5), dbSNP rs2489452903, ClinGen allele CA373171589.

ClinVar aggregate classification (germline): Uncertain significance (1 of 4 stars; one submission).

Submission:

Labcorp Genetics (formerly Invitae), Labcorp
Classification: Uncertain significance. Last evaluated: 2022-08-20. Review status: criteria provided, single submitter. Criteria: Invitae Variant Classification Sherloc (09022015). Collection method: clinical testing. Allele origin: germline.
Comment: This sequence change replaces phenylalanine, which is neutral and non-polar, with leucine, which is neutral and non-polar, at codon 308 of the TOPORS protein (p.Phe308Leu). This variant is not present in population databases (gnomAD no frequency). This variant has not been reported in the literature in individuals affected with TOPORS-related conditions. Algorithms developed to predict the effect of missense changes on protein structure and function are either unavailable or do not agree on the potential impact of this missense change (SIFT: "Tolerated"; PolyPhen-2: "Probably Damaging"; Align-GVGD: "Class C0"). In summary, the available evidence is currently insufficient to determine the role of this variant in disease. Therefore, it has been classified as a Variant of Uncertain Significance.